The following is an entry in ClinVar:

ClinVar aggregate classification (germline): Uncertain significance. Review status: criteria provided, multiple submitters, no conflicts (2 of 4 stars). 5 submissions from 5 submitters: Uncertain significance (3). 2 of the submissions do not count toward it. Last evaluated 2024-11-27.

Conditions:
Usher syndrome type 1 (USH1). Also called: RETINITIS PIGMENTOSA AND CONGENITAL DEAFNESS. Identifiers: Orphanet 231169, Orphanet 886, MedGen C1568247, MONDO:0010168, OMIM 276900.
Autosomal recessive nonsyndromic hearing loss 2. Also called: DEAFNESS, AUTOSOMAL RECESSIVE 2; NEUROSENSORY NONSYNDROMIC RECESSIVE DEAFNESS 2. Identifiers: Orphanet 90636, MedGen C1838701, MONDO:0010807, OMIM 600060.
Usher syndrome type 1B (USH1B). Also called: Usher syndrome type IB. Identifiers: MedGen C1848638, MONDO:0700087.

Allele frequency attached by ClinVar (database versions not stated): gnomAD exomes below 0.00001; ExAC 0.00001; gnomAD 0.00002; TOPMed 0.00002.
gnomAD v4.1: 25 of 1,609,518 alleles (0.0016%); highest among the groups gnomAD compares: Non-Finnish European, 0.002%; no homozygotes.

Submissions (5):

Blueprint Genetics
Classification: Uncertain significance. Last evaluated: 2024-11-27. Review status: criteria provided, single submitter. Criteria: ACMG Guidelines, 2015. Collection method: clinical testing. Allele origin: germline.

Labcorp Genetics (formerly Invitae), Labcorp
Classification: Uncertain significance. Last evaluated: 2024-11-08. Review status: criteria provided, single submitter. Criteria: Invitae Variant Classification Sherloc (09022015). Collection method: clinical testing. Allele origin: germline.
Comment: This sequence change falls in intron 42 of the MYO7A gene. It does not directly change the encoded amino acid sequence of the MYO7A protein. It affects a nucleotide within the consensus splice site. The frequency data for this variant in the population databases is considered unreliable, as metrics indicate poor data quality at this position in the gnomAD database. This variant has not been reported in the literature in individuals affected with MYO7A-related conditions. ClinVar contains an entry for this variant (Variation ID: 179770). Variants that disrupt the consensus splice site are a relatively common cause of aberrant splicing (PMID: 17576681, 9536098). Algorithms developed to predict the effect of sequence changes on RNA splicing suggest that this variant may disrupt the consensus splice site. In summary, the available evidence is currently insufficient to determine the role of this variant in disease. Therefore, it has been classified as a Variant of Uncertain Significance.

Laboratory for Molecular Medicine, Mass General Brigham Personalized Medicine
Classification: Uncertain significance. Last evaluated: 2014-05-22. Review status: criteria provided, single submitter. Criteria: LMM Criteria. Collection method: clinical testing. Allele origin: germline. Observed: 2 variant alleles.
Comment: Variant classified as Uncertain Significance - Favor Pathogenic. This variant is located in the 3' splice region. Computational tools suggest an impact to splicing. However, this informa tion is not predictive enough to determine pathogenicity. In summary, while the available data on the 5857-3C>A variant is suspicious for pathogenicity, the cli nical significance of this variant is uncertain.

Natera, Inc.
Classification: Uncertain significance for Usher syndrome type 1B. Last evaluated: 2020-09-16. Review status: no assertion criteria provided. Collection method: clinical testing. Allele origin: germline. Not counted in ClinVar's aggregate classification.

Counsyl
Classification: Uncertain significance for Usher syndrome type 1; Autosomal recessive nonsyndromic hearing loss 2. Last evaluated: 2018-02-23. Review status: no assertion criteria provided. Collection method: clinical testing. Allele origin: unknown. Not counted in ClinVar's aggregate classification.

Literature cited by the submitters: PubMed 17576681 (cited by Labcorp Genetics (formerly Invitae), Labcorp); PubMed 9536098 (cited by Labcorp Genetics (formerly Invitae), Labcorp).

NM_000260.4(MYO7A):c.5857-3C>A

Gene: MYO7A (myosin VIIA; plus strand). Cytogenetic location: 11q13.5.
Variant type: single nucleotide variant.
Coding change: c.5857-3C>A on transcript NM_000260.4 (MANE Select); 3 bases into the intron before coding-DNA position 5857, C replaced by A.
Molecular consequence: intron variant.
Genome position (GRCh38, 1-based): chr11:77,208,427, C>A. VCF-style: chr11-77208427-C-A. GRCh37 (hg19) VCF-style: chr11-76919472-C-A.
Other names: c.5710-3C>A (NM_001369365.1); c.5743-3C>A (NM_001127180.2).
Identifiers: ClinVar variation 179770 (VCV000179770.11), dbSNP rs727505114, ClinGen allele CA185102.